The following is an entry in ClinVar:

ClinVar aggregate classification (germline): Benign (0 of 4 stars; one submission).

Conditions:
TEX11-related disorder. Also called: TEX11-related condition.

Allele frequency attached by ClinVar (database versions not stated): ESP Exome Variant Server 0.06466; TOPMed 0.10070; 1000 Genomes Project 30x 0.13299.
gnomAD v4.1: 75,431 of 1,209,064 alleles (6.2%); highest among the groups gnomAD compares: Admixed American, 33%; 3,399 homozygotes.

Submission:

PreventionGenetics, part of Exact Sciences
Classification: Benign for TEX11-related condition. Last evaluated: 2019-03-27. Review status: no assertion criteria provided. Collection method: clinical testing. Allele origin: germline.
Comment: This variant is classified as benign based on ACMG/AMP sequence variant interpretation guidelines (Richards et al. 2015 PMID: 25741868, with internal and published modifications).

NM_031276.3(TEX11):c.2496T>C (p.Asp832=)

Gene: TEX11 (testis expressed 11; minus strand). Cytogenetic location: Xq13.1.
Variant type: single nucleotide variant.
Coding change: c.2496T>C on transcript NM_031276.3 (MANE Select); coding-DNA position 2496, T replaced by C.
Protein change: p.Asp832=; no amino-acid change (aspartic acid 832 retained).
Molecular consequence: synonymous variant.
Genome position (GRCh38, 1-based): chrX:70,552,150, A>G on the plus strand (T>C on the coding strand, the complement: TEX11 is on the minus strand). VCF-style: chrX-70552150-A-G. GRCh37 (hg19) VCF-style: chrX-69772000-A-G.
Other names: c.2541T>C, p.Asp847= (NM_001003811.2).
Identifiers: ClinVar variation 3059578 (VCV003059578.2), dbSNP rs16991177, ClinGen allele CA10442459.
Genomic context (GRCh38, chrX:70,552,150, plus strand): 5'-AATTAACTGAAAGTTTAATATCACTATTTGACTTACAGTGCGGCTAATGTGGCTCAGAGC[A>G]TCTTCAAAATAGCCCCAAACTTCTTCCAGGGGACAGAGCTCTACATTCGACGCCCCATCT-3'
Protein context (NP_112566.2, residues 822-842): PLEEVWGYFE[Asp832=]ALSHISRTKD